The following is an entry in ClinVar:

NM_001166108.2(PALLD):c.*74G>A

Genes: CBR4 (carbonyl reductase 4; minus strand), PALLD (palladin, cytoskeletal associated protein; plus strand). Cytogenetic location: 4q32.3.
Variant type: single nucleotide variant.
Coding change: c.*74G>A on transcript NM_001166108.2 (MANE Select); 74 bases downstream of the stop codon, G replaced by A.
Molecular consequence: 3 prime UTR variant. On other transcripts: missense variant (4).
Genome position (GRCh38, 1-based): chr4:168,926,254, G>A. VCF-style: chr4-168926254-G-A. GRCh37 (hg19) VCF-style: chr4-169847405-G-A.
Other names: c.2203G>A, p.Val735Ile (NM_001166109.2); c.1888G>A, p.Val630Ile (NM_001166110.2); c.*74G>A (NM_001367567.1, NM_001367570.1, NM_016081.4); c.1279G>A, p.Val427Ile (NM_001367568.1); c.1228G>A, p.Val410Ile (NM_001367569.1); short protein forms V410I, V427I, V630I, V735I.
Identifiers: ClinVar variation 3885283 (VCV003885283.1).

ClinVar aggregate classification (germline): Uncertain significance (1 of 4 stars; one submission).

Submission:

Ambry Genetics
Classification: Uncertain significance. Last evaluated: 2024-12-22. Review status: criteria provided, single submitter. Criteria: Ambry Variant Classification Scheme 2023. Collection method: clinical testing. Allele origin: germline.
Comment: The p.V630I variant (also known as c.1888G>A), located in coding exon 11 of the PALLD gene, results from a G to A substitution at nucleotide position 1888. The valine at codon 630 is replaced by isoleucine, an amino acid with highly similar properties. This amino acid position is conserved. In addition, this alteration is predicted to be tolerated by in silico analysis. Based on the available evidence, the clinical significance of this variant remains unclear.